The following is an entry in ClinVar:

NM_001378414.1(HDAC4):c.2077C>T (p.Arg693Cys)

Gene: HDAC4 (histone deacetylase 4; minus strand). Cytogenetic location: 2q37.3.
Variant type: single nucleotide variant.
Coding change: c.2077C>T on transcript NM_001378414.1 (MANE Select); coding-DNA position 2077, C replaced by T.
Protein change: p.Arg693Cys; replaces arginine 693 with cysteine.
Molecular consequence: missense variant.
Genome position (GRCh38, 1-based): chr2:239,108,085, G>A on the plus strand (C>T on the coding strand, the complement: HDAC4 is on the minus strand). VCF-style: chr2-239108085-G-A. GRCh37 (hg19) VCF-style: chr2-240029781-G-A.
Other names: c.2062C>T, p.Arg688Cys (NM_001378416.1, NM_001378417.1, NM_006037.4); c.2077C>T, p.Arg693Cys (NM_001378415.1); short protein forms R688C, R693C.
Identifiers: ClinVar variation 452959 (VCV000452959.2), dbSNP rs1553617643, ClinGen allele CA351267889.

ClinVar aggregate classification (germline): Uncertain significance (1 of 4 stars; one submission).

Allele frequency attached by ClinVar (database versions not stated): gnomAD exomes below 0.00001.
gnomAD v4.1: 2 of 1,610,886 alleles (0.00012%); highest among the groups gnomAD compares: Non-Finnish European, 0.00017%; no homozygotes.

Submission:

GeneDx
Classification: Uncertain significance. Last evaluated: 2017-10-20. Review status: criteria provided, single submitter. Criteria: GeneDx Variant Classification (06012015). Collection method: clinical testing. Allele origin: germline. Affected: yes.
Comment: A variant of uncertain significance has been identified in the HDAC4 gene. The R688C variant has not been published as a pathogenic variant, nor has it been reported as a benign variant to our knowledge. The R688C variant is not observed in large population cohorts (Lek et al., 2016). The R688C variant is a non-conservative amino acid substitution, which is likely to impact secondary protein structure as these residues differ in polarity, charge, size and/or other properties. Additionally, this substitution occurs at a position that is conserved across species, and in silico analysis predicts this variant is probably damaging to the protein structure/function. Based on the currently available information, it is unclear whether this variant is a pathogenic variant or a rare benign variant.